The following is an entry in ClinVar:

ClinVar aggregate classification (germline): Uncertain significance (1 of 4 stars; one submission).

Conditions:
Congenital contractural arachnodactyly (CCA). Also called: Arthrogryposis, distal, type 9; BEALS SYNDROME; Beals-Hecht syndrome. Identifiers: Orphanet 115, MedGen C0220668, MONDO:0007363, OMIM 121050.

gnomAD v4.1: 7 of 1,613,450 alleles (0.00043%); highest among the groups gnomAD compares: African/African-American, 0.0013%; no homozygotes.

Submission:

Labcorp Genetics (formerly Invitae), Labcorp
Classification: Uncertain significance for Congenital contractural arachnodactyly. Last evaluated: 2024-02-27. Review status: criteria provided, single submitter. Criteria: Invitae Variant Classification Sherloc (09022015). Collection method: clinical testing. Allele origin: germline.
Comment: This sequence change replaces proline, which is neutral and non-polar, with threonine, which is neutral and polar, at codon 801 of the FBN2 protein (p.Pro801Thr). This variant is present in population databases (no rsID available, gnomAD 0.0009%). This variant has not been reported in the literature in individuals affected with FBN2-related conditions. Advanced modeling of protein sequence and biophysical properties (such as structural, functional, and spatial information, amino acid conservation, physicochemical variation, residue mobility, and thermodynamic stability) performed at Invitae indicates that this missense variant is not expected to disrupt FBN2 protein function with a negative predictive value of 80%. In summary, the available evidence is currently insufficient to determine the role of this variant in disease. Therefore, it has been classified as a Variant of Uncertain Significance.

NM_001999.4(FBN2):c.2401C>A (p.Pro801Thr)

Gene: FBN2 (fibrillin 2; minus strand). Cytogenetic location: 5q23.3.
Variant type: single nucleotide variant.
Coding change: c.2401C>A on transcript NM_001999.4 (MANE Select); coding-DNA position 2401, C replaced by A.
Protein change: p.Pro801Thr; replaces proline 801 with threonine.
Molecular consequence: missense variant.
Genome position (GRCh38, 1-based): chr5:128,364,627, G>T on the plus strand (C>A on the coding strand, the complement: FBN2 is on the minus strand). VCF-style: chr5-128364627-G-T. GRCh37 (hg19) VCF-style: chr5-127700320-G-T.
Other names: short protein forms P801T.
Identifiers: ClinVar variation 3612155 (VCV003612155.2).